The following is an entry in ClinVar:

NM_000321.3(RB1):c.69GCC[6] (p.Pro28_Pro29dup)

Gene: RB1 (RB transcriptional corepressor 1; plus strand). Cytogenetic location: 13q14.2.
Variant type: Microsatellite.
Coding change: c.69GCC[6] on transcript NM_000321.3 (MANE Select); six copies in a row of the 3-base unit GCC starting at c.69; the reference has four copies in a row; two copies, 6 bases duplicated.
Protein change: p.Pro28_Pro29dup.
Molecular consequence: inframe insertion.
Genome position (GRCh38, 1-based): chr13:48,303,987-48,303,992, GCCGCC duplicated; duplicating any 6 consecutive bases within chr13:48,303,979-48,303,992 gives the same sequence; the position shown is the placement nearest the transcript's 3' end. VCF-style (leftmost placement, unchanged base first): chr13-48303978-A-ACCGCCG. GRCh37 (hg19) VCF-style: chr13-48878114-A-ACCGCCG.
Identifiers: ClinVar variation 827088 (VCV000827088.9), dbSNP rs587778823, ClinGen allele CA915948546.

ClinVar aggregate classification (germline): Uncertain significance. Review status: criteria provided, multiple submitters, no conflicts (2 of 4 stars). 2 submissions from 2 submitters: Uncertain significance (2). Last evaluated 2025-10-27.

Conditions:
Retinoblastoma (RB1). Also called: RETINOBLASTOMA, SOMATIC. Identifiers: Orphanet 790, MedGen C0035335, MeSH D012175, MONDO:0008380, OMIM 180200, HP:0009919. Disease mechanism: loss of function. Inheritance: Both sporadic and heritable forms are tested..
Hereditary cancer-predisposing syndrome. Also called: Neoplastic Syndromes, Hereditary; Tumor predisposition; Hereditary neoplastic syndrome; Hereditary Cancer Syndrome. Identifiers: Orphanet 140162, MedGen C0027672, MeSH D009386, MONDO:0015356.

Submissions (2):

Labcorp Genetics (formerly Invitae), Labcorp
Classification: Uncertain significance for Retinoblastoma. Last evaluated: 2025-10-27. Review status: criteria provided, single submitter. Criteria: Invitae Variant Classification Sherloc (09022015). Collection method: clinical testing. Allele origin: germline.
Comment: This variant, c.75_80dup, results in the insertion of 2 amino acid(s) of the RB1 protein (p.Pro28_Pro29dup), but otherwise preserves the integrity of the reading frame. This variant is not present in population databases (gnomAD no frequency). This variant has not been reported in the literature in individuals affected with RB1-related conditions. In summary, the available evidence is currently insufficient to determine the role of this variant in disease. Therefore, it has been classified as a Variant of Uncertain Significance.

Ambry Genetics
Classification: Uncertain significance for Hereditary cancer-predisposing syndrome. Last evaluated: 2019-07-10. Review status: criteria provided, single submitter. Criteria: Ambry Variant Classification Scheme 2023. Collection method: clinical testing. Allele origin: germline.
Comment: The c.75_80dupGCCGCC variant (also known as p.P28_P29dup), located in coding exon 1 of the RB1 gene, results from an in-frame duplication of GCCGCC at nucleotide positions 75 to 80. This results in the duplication of 2 extra residues (PP) between codons 28 and 29. These amino acid positions are well conserved in available vertebrate species. Since supporting evidence is limited at this time, the clinical significance of this alteration remains unclear.